The following is an entry in ClinVar:

ClinVar aggregate classification (germline): Uncertain significance (1 of 4 stars; one submission).

Conditions:
Mucopolysaccharidosis, MPS-II (MPS2). Also called: Hunter Syndrome; IDURONATE 2-SULFATASE DEFICIENCY; Mucopolysaccharidosis Type II; IDS deficiency; Sulfoiduronate sulfatase deficiency; SIDS deficiency. Identifiers: Orphanet 580, Orphanet 79388, MedGen C0026705, MONDO:0010674, OMIM 309900.

Submission:

Labcorp Genetics (formerly Invitae), Labcorp
Classification: Uncertain significance for Mucopolysaccharidosis, MPS-II. Last evaluated: 2023-03-08. Review status: criteria provided, single submitter. Criteria: Invitae Variant Classification Sherloc (09022015). Collection method: clinical testing. Allele origin: germline.
Comment: In summary, the available evidence is currently insufficient to determine the role of this variant in disease. Therefore, it has been classified as a Variant of Uncertain Significance. Advanced modeling of protein sequence and biophysical properties (such as structural, functional, and spatial information, amino acid conservation, physicochemical variation, residue mobility, and thermodynamic stability) performed at Invitae indicates that this missense variant is not expected to disrupt IDS protein function. This variant has not been reported in the literature in individuals affected with IDS-related conditions. This variant is not present in population databases (gnomAD no frequency). This sequence change replaces asparagine, which is neutral and polar, with serine, which is neutral and polar, at codon 167 of the IDS protein (p.Asn167Ser).

NM_000202.8(IDS):c.500A>G (p.Asn167Ser)

Genes: IDS (iduronate 2-sulfatase; minus strand), LOC106050102 (IDS recombination region; plus strand). Cytogenetic location: Xq28.
Variant type: single nucleotide variant.
Coding change: c.500A>G on transcript NM_000202.8 (MANE Select); coding-DNA position 500, A replaced by G.
Protein change: p.Asn167Ser; replaces asparagine 167 with serine.
Molecular consequence: missense variant. On other transcripts: non-coding transcript variant (1).
Genome position (GRCh38, 1-based): chrX:149,500,956, T>C on the plus strand (A>G on the coding strand, the complement: IDS is on the minus strand). VCF-style: chrX-149500956-T-C. GRCh37 (hg19) VCF-style: chrX-148582487-T-C.
Other names: c.230A>G, p.Asn77Ser (NM_001166550.4); c.500A>G, p.Asn167Ser (NM_006123.5); short protein forms N77S, N167S.
Identifiers: ClinVar variation 2814227 (VCV002814227.3), dbSNP rs2520880383, ClinGen allele CA414522932.
Genomic context (GRCh38, chrX:149,500,956, plus strand): 5'-GTGACAAAGGAAAAAGTGGTTCCTCTTCAGAAATGTCCCTTTCACAGCCTTACCTTAGTG[T>C]TTTCATACTTCTCAGAGGAAGGATGATAAGGTGGAAAAGACCAGCTATACGGAGAATCAT-3'
Protein context (NP_000193.1, residues 157-177): PYHPSSEKYE[Asn167Ser]TKTCRGPDGE